The following is an entry in ClinVar:

ClinVar aggregate classification (germline): Uncertain significance (1 of 4 stars; one submission).

Submission:

Labcorp Genetics (formerly Invitae), Labcorp
Classification: Uncertain significance. Last evaluated: 2024-02-01. Review status: criteria provided, single submitter. Criteria: Invitae Variant Classification Sherloc (09022015). Collection method: clinical testing. Allele origin: germline.
Comment: This sequence change replaces glycine, which is neutral and non-polar, with arginine, which is basic and polar, at codon 75 of the ZMYND11 protein (p.Gly75Arg). This variant is not present in population databases (gnomAD no frequency). This variant has not been reported in the literature in individuals affected with ZMYND11-related conditions. Advanced modeling of protein sequence and biophysical properties (such as structural, functional, and spatial information, amino acid conservation, physicochemical variation, residue mobility, and thermodynamic stability) performed at Invitae indicates that this missense variant is expected to disrupt ZMYND11 protein function with a positive predictive value of 80%. In summary, the available evidence is currently insufficient to determine the role of this variant in disease. Therefore, it has been classified as a Variant of Uncertain Significance.

NM_001370100.5(ZMYND11):c.223G>C (p.Gly75Arg)

Gene: ZMYND11 (zinc finger MYND-type containing 11; plus strand). Cytogenetic location: 10p15.3.
Variant type: single nucleotide variant.
Coding change: c.223G>C on transcript NM_001370100.5 (MANE Select); coding-DNA position 223, G replaced by C.
Protein change: p.Gly75Arg; replaces glycine 75 with arginine.
Molecular consequence: missense variant. On other transcripts: non-coding transcript variant (1), intron variant (1).
Genome position (GRCh38, 1-based): chr10:209,995, G>C. VCF-style: chr10-209995-G-C. GRCh37 (hg19) VCF-style: chr10-255935-G-C.
Other names: c.223G>C, p.Gly75Arg (NM_001370108.2, NM_001370109.2, NM_001370110.2 and 24 more transcripts); c.172G>C, p.Gly58Arg (NM_001370112.2, NM_001370123.2, NM_001330057.3); c.157G>C, p.Gly53Arg (NM_001370116.2, NM_001370120.2); c.103G>C, p.Gly35Arg (NM_001370118.2, NM_001370121.2); c.-33-26843G>C (NM_001370124.3); short protein forms G35R, G53R, G75R, G58R.
Identifiers: ClinVar variation 3637965 (VCV003637965.2).
Genomic context (GRCh38, chr10:209,995, plus strand): 5'-CAGCTGAGCTTAGCTGTGAAAGATGGTCTTATTGTCGAAACTCTAACAGTGGGCTGCAAA[G>C]GTTCAAAAGCTGGTATTGAACAAGAAGGATATTGGTTGCCAGGAGATGAGATTGTAAGTA-3'
Protein context (NP_001357029.1, residues 65-85): IVETLTVGCK[Gly75Arg]SKAGIEQEGY